The following is an entry in ClinVar:

NM_001003787.4(STRADA):c.1153C>T (p.Arg385Cys)

Gene: STRADA (STE20 related adaptor alpha; minus strand). Cytogenetic location: 17q23.3.
Variant type: single nucleotide variant.
Coding change: c.1153C>T on transcript NM_001003787.4 (MANE Select); coding-DNA position 1153, C replaced by T.
Protein change: p.Arg385Cys; replaces arginine 385 with cysteine.
Molecular consequence: missense variant. On other transcripts: 3 prime UTR variant (6), non-coding transcript variant (1).
Genome position (GRCh38, 1-based): chr17:63,703,742, G>A on the plus strand (C>T on the coding strand, the complement: STRADA is on the minus strand). VCF-style: chr17-63703742-G-A. GRCh37 (hg19) VCF-style: chr17-61781102-G-A.
Other names: c.1042C>T, p.Arg348Cys (NM_001003786.3); c.979C>T, p.Arg327Cys (NM_001003788.3); c.*30C>T (NM_001165969.2, NM_001165970.2, NM_001363788.1 and 2 more transcripts); c.1129C>T, p.Arg377Cys (NM_001363786.1); c.1066C>T, p.Arg356Cys (NM_001363787.1); c.845C>T, p.Thr282Met (NM_001363790.1); c.*541C>T (NM_153335.6); short protein forms R327C, R348C, R356C, R377C, R385C, T282M.
Identifiers: ClinVar variation 1055025 (VCV001055025.7), dbSNP rs755268323, ClinGen allele CA8703073.

ClinVar aggregate classification (germline): Uncertain significance (1 of 4 stars; one submission).

Conditions:
Polyhydramnios, megalencephaly, and symptomatic epilepsy (PMSE). Also called: PMSE SYNDROME. Identifiers: Orphanet 500533, MedGen C1970203, MONDO:0012611, OMIM 611087.

Allele frequency attached by ClinVar (database versions not stated): gnomAD 0.00001; gnomAD exomes 0.00001; TOPMed 0.00001; ExAC 0.00002.
gnomAD v4.1: 23 of 1,613,996 alleles (0.0014%); highest among the groups gnomAD compares: African/African-American, 0.0053%; no homozygotes.

Submission:

Labcorp Genetics (formerly Invitae), Labcorp
Classification: Uncertain significance for Polyhydramnios, megalencephaly, and symptomatic epilepsy. Last evaluated: 2022-02-17. Review status: criteria provided, single submitter. Criteria: Invitae Variant Classification Sherloc (09022015). Collection method: clinical testing. Allele origin: germline.
Comment: This sequence change replaces arginine, which is basic and polar, with cysteine, which is neutral and slightly polar, at codon 385 of the STRADA protein (p.Arg385Cys). This variant is present in population databases (rs755268323, gnomAD 0.003%). This variant has not been reported in the literature in individuals affected with STRADA-related conditions. ClinVar contains an entry for this variant (Variation ID: 1055025). Algorithms developed to predict the effect of missense changes on protein structure and function are either unavailable or do not agree on the potential impact of this missense change (SIFT: "Deleterious"; PolyPhen-2: "Probably Damaging"; Align-GVGD: "Class C15"). In summary, the available evidence is currently insufficient to determine the role of this variant in disease. Therefore, it has been classified as a Variant of Uncertain Significance.